The following is an entry in ClinVar:

ClinVar aggregate classification (germline): Uncertain significance (1 of 4 stars; one submission).

Conditions:
Hereditary pancreatitis (PCTT). Also called: Hereditary chronic pancreatitis; PRSS1-Related Hereditary Pancreatitis. Identifiers: Orphanet 676, MedGen C0238339, MONDO:0008185, OMIM 167800.

Submission:

Ambry Genetics
Classification: Uncertain significance for Hereditary pancreatitis. Last evaluated: 2023-01-16. Review status: criteria provided, single submitter. Criteria: Ambry Variant Classification Scheme 2023. Collection method: clinical testing. Allele origin: germline.
Comment: The p.C75Y variant (also known as c.224G>A), located in coding exon 3 of the CTRC gene, results from a G to A substitution at nucleotide position 224. The cysteine at codon 75 is replaced by tyrosine, an amino acid with highly dissimilar properties. This amino acid position is conserved. In addition, this alteration is predicted to be deleterious by in silico analysis. Since supporting evidence is limited at this time, the clinical significance of this alteration remains unclear.

NM_007272.3(CTRC):c.224G>A (p.Cys75Tyr)

Gene: CTRC (chymotrypsin C; plus strand). Cytogenetic location: 1p36.21.
Variant type: single nucleotide variant.
Coding change: c.224G>A on transcript NM_007272.3 (MANE Select); coding-DNA position 224, G replaced by A.
Protein change: p.Cys75Tyr; replaces cysteine 75 with tyrosine.
Molecular consequence: missense variant.
Genome position (GRCh38, 1-based): chr1:15,440,584, G>A. VCF-style: chr1-15440584-G-A. GRCh37 (hg19) VCF-style: chr1-15767080-G-A.
Other names: short protein forms C75Y.
Identifiers: ClinVar variation 2497350 (VCV002497350.2), dbSNP rs2526290345, ClinGen allele CA338565136.